The following is an entry in ClinVar:

NM_015041.3(CLUAP1):c.586G>T (p.Val196Phe)

Gene: CLUAP1 (clusterin associated protein 1; plus strand). Cytogenetic location: 16p13.3.
Variant type: single nucleotide variant.
Coding change: c.586G>T on transcript NM_015041.3 (MANE Select); coding-DNA position 586, G replaced by T.
Protein change: p.Val196Phe; replaces valine 196 with phenylalanine.
Molecular consequence: missense variant.
Genome position (GRCh38, 1-based): chr16:3,519,909, G>T. VCF-style: chr16-3519909-G-T. GRCh37 (hg19) VCF-style: chr16-3569909-G-T.
Other names: c.586G>T (NM_015041.2); c.586G>T, p.Val196Phe (NM_001330454.2); c.88G>T, p.Val30Phe (NM_024793.3); short protein forms V196F, V30F.
Identifiers: ClinVar variation 1164359 (VCV001164359.12), dbSNP rs35065818, ClinGen allele CA7863798.

ClinVar aggregate classification (germline): Benign. Review status: criteria provided, multiple submitters, no conflicts (2 of 4 stars). 3 submissions from 3 submitters: Benign (2). 1 of the submissions does not count toward it. Last evaluated 2026-02-01.

Conditions:
CLUAP1-related disorder. Also called: CLUAP1-related condition.

Allele frequency attached by ClinVar (database versions not stated): gnomAD exomes 0.00331; ExAC 0.00379; ESP Exome Variant Server 0.00623; gnomAD 0.00768 and 0.00806; TOPMed 0.00838; 1000 Genomes Project 30x 0.00937; 1000 Genomes Project 0.00958.

Submissions (3):

Labcorp Genetics (formerly Invitae), Labcorp
Classification: Benign. Last evaluated: 2026-02-01. Review status: criteria provided, single submitter. Criteria: Invitae Variant Classification Sherloc (09022015). Collection method: clinical testing. Allele origin: germline.

Breakthrough Genomics
Classification: Benign. Review status: criteria provided, single submitter. Criteria: ACMG Guidelines, 2015. Collection method: not provided. Allele origin: germline. Inheritance: Unknown mechanism. Affected: yes.

PreventionGenetics, part of Exact Sciences
Classification: Benign for CLUAP1-related condition. Last evaluated: 2019-05-30. Review status: no assertion criteria provided. Collection method: clinical testing. Allele origin: germline. Not counted in ClinVar's aggregate classification.
Comment: This variant is classified as benign based on ACMG/AMP sequence variant interpretation guidelines (Richards et al. 2015 PMID: 25741868, with internal and published modifications).